The following is an entry in ClinVar:

NC_000014.8:g.(23859656_23861770)_(23876446_23876784)dup

Gene: MYH6 (myosin heavy chain 6; minus strand). Cytogenetic location: 14q11.2.
Variant type: Duplication.
Identifiers: ClinVar variation 4688863 (VCV004688863.1).

ClinVar aggregate classification (germline): Uncertain significance (1 of 4 stars; one submission).

Submission:

Women's Health and Genetics/Laboratory Corporation of America, LabCorp
Classification: Uncertain significance. Last evaluated: 2025-12-23. Review status: criteria provided, single submitter. Criteria: LabCorp Variant Classification Summary - May 2015. Collection method: clinical testing. Allele origin: germline.
Comment: Variant summary: The variant involves the duplication of exons 3-25 in the MYH6 gene. A presumed nomenclature of c.(-14+1_-13-1)_(3342+1_3343-1)dup has been designated for the purposes of this classification. The exact breakpoint at the 5' end of this variant is unknown, therefore this duplication may extend upstream of the annotated region of this gene. It is predicted to duplicate a segment including the initiation codon, therefore its impact on the encoded protein is unknown. The variant was absent in 20310 control chromosomes. The available data on variant occurrences in the general population are insufficient to allow any conclusion about variant significance. To our knowledge, no occurrence of c.(-14+1_-13-1)_(3342+1_3343-1)dup in individuals affected with MYH6-related conditions and no experimental evidence demonstrating its impact on protein function have been reported. ClinVar contains an entry for a similar variant (Variation ID: 470501). Based on the evidence outlined above, the variant was classified as uncertain significance.